The following is an entry in ClinVar:

ClinVar aggregate classification (germline): Benign. Review status: criteria provided, multiple submitters, no conflicts (2 of 4 stars). 2 submissions from 2 submitters: Benign (2). Last evaluated 2018-06-16.

Allele frequency attached by ClinVar (database versions not stated): gnomAD 0.01424 and 0.01522; 1000 Genomes Project 0.01478; 1000 Genomes Project 30x 0.01546; TOPMed 0.01631.
gnomAD v4.1: 3,058 of 894,294 alleles (0.34%); highest among the groups gnomAD compares: African/African-American, 4.8%; 90 homozygotes.

Submissions (2):

GeneDx
Classification: Benign. Last evaluated: 2018-06-16. Review status: criteria provided, single submitter. Criteria: GeneDx Variant Classification (06012015). Collection method: clinical testing. Allele origin: germline. Affected: yes.
Comment: This variant is considered likely benign or benign based on one or more of the following criteria: it is a conservative change, it occurs at a poorly conserved position in the protein, it is predicted to be benign by multiple in silico algorithms, and/or has population frequency not consistent with disease.

Breakthrough Genomics
Classification: Benign. Review status: criteria provided, single submitter. Criteria: ACMG Guidelines, 2015. Collection method: not provided. Allele origin: germline. Inheritance: Autosomal dominant inheritance. Affected: yes.

NM_001134363.3(RBM20):c.191+106C>T

Gene: RBM20 (RNA binding motif protein 20; plus strand). Cytogenetic location: 10q25.2.
Variant type: single nucleotide variant.
Coding change: c.191+106C>T on transcript NM_001134363.3 (MANE Select); 106 bases into the intron after coding-DNA position 191, C replaced by T.
Molecular consequence: intron variant.
Genome position (GRCh38, 1-based): chr10:110,644,751, C>T. VCF-style: chr10-110644751-C-T. GRCh37 (hg19) VCF-style: chr10-112404509-C-T.
Identifiers: ClinVar variation 675556 (VCV000675556.2), dbSNP rs114033006, ClinGen allele CA213903210.